The following is an entry in ClinVar:

NM_000093.5(COL5A1):c.1A>G (p.Met1Val)

Gene: COL5A1 (collagen type V alpha 1 chain; plus strand). Cytogenetic location: 9q34.3.
Variant type: single nucleotide variant.
Coding change: c.1A>G on transcript NM_000093.5 (MANE Select); coding-DNA position 1, A replaced by G.
Protein change: p.Met1Val; changes the start codon (methionine 1).
Molecular consequence: missense variant, initiator codon variant.
Genome position (GRCh38, 1-based): chr9:134,642,188, A>G. VCF-style: chr9-134642188-A-G. GRCh37 (hg19) VCF-style: chr9-137534034-A-G.
Other names: c.1A>G, p.Met1Val (NM_001278074.1); short protein forms M1V.
Identifiers: ClinVar variation 1381199 (VCV001381199.7), dbSNP rs2132454722, ClinGen allele CA375443752.
Genomic context (GRCh38, chr9:134,642,188, plus strand): 5'-CCTGTGCGTCCCCGCGCGCCTCCGAGCGCCCCTGTGCGCCCCGGCCCGCGCCCCGCCGGC[A>G]TGGACGTCCATACCCGCTGGAAAGCGCGCAGCGCGCTCCGCCCGGGCGCCCCGCTGCTGC-3'
Protein context (NP_000084.3, residues 1-11): [Met1Val]DVHTRWKARS

ClinVar aggregate classification (germline): Pathogenic (1 of 4 stars; one submission).

Conditions:
Ehlers-Danlos syndrome, classic type, 1 (EDSCL1). Also called: EHLERS-DANLOS SYNDROME, GRAVIS TYPE; EHLERS-DANLOS SYNDROME, SEVERE CLASSIC TYPE; Ehlers-Danlos syndrome, type 1; EDS I; Ehlers-Danlos Syndrome, Classic Type, COL5A1-Related. Identifiers: MedGen C0268335, MONDO:0019567, OMIM 130000.

Submission:

Labcorp Genetics (formerly Invitae), Labcorp
Classification: Pathogenic for Ehlers-Danlos syndrome, classic type, 1. Last evaluated: 2021-10-14. Review status: criteria provided, single submitter. Criteria: Invitae Variant Classification Sherloc (09022015). Collection method: clinical testing. Allele origin: germline.
Comment: This variant disrupts a region of the COL5A1 protein in which other variant(s) (p.Leu25Arg) have been determined to be pathogenic (PMID: 18972565; Invitae). This suggests that this is a clinically significant region of the protein, and that variants that disrupt it are likely to be disease-causing. For these reasons, this variant has been classified as Pathogenic. Experimental studies and prediction algorithms are not available or were not evaluated, and the functional significance of this variant is currently unknown. This sequence change affects the initiator methionine of the COL5A1 mRNA. The next in-frame methionine is located at codon 198. The frequency data for this variant in the population databases is considered unreliable, as metrics indicate insufficient coverage at this position in the ExAC database. This variant has not been reported in the literature in individuals affected with COL5A1-related conditions.

Literature cited by the submitters: PubMed 18972565.